The following is an entry in ClinVar:

ClinVar aggregate classification (germline): Uncertain significance (1 of 4 stars; one submission).

Submission:

GeneDx
Classification: Uncertain significance. Last evaluated: 2024-06-12. Review status: criteria provided, single submitter. Criteria: GeneDx Variant Classification Process June 2021. Collection method: clinical testing. Allele origin: germline. Affected: yes.
Comment: Not observed at significant frequency in large population cohorts (gnomAD); In silico analysis indicates that this missense variant does not alter protein structure/function; Has not been previously published as pathogenic or benign to our knowledge

NM_007208.4(MRPL3):c.730G>A (p.Ala244Thr)

Gene: MRPL3 (mitochondrial ribosomal protein L3; minus strand). Cytogenetic location: 3q22.1.
Variant type: single nucleotide variant.
Coding change: c.730G>A on transcript NM_007208.4 (MANE Select); coding-DNA position 730, G replaced by A.
Protein change: p.Ala244Thr; replaces alanine 244 with threonine.
Molecular consequence: missense variant.
Genome position (GRCh38, 1-based): chr3:131,471,179, C>T on the plus strand (G>A on the coding strand, the complement: MRPL3 is on the minus strand). VCF-style: chr3-131471179-C-T. GRCh37 (hg19) VCF-style: chr3-131190023-C-T.
Other names: short protein forms A244T.
Identifiers: ClinVar variation 3390571 (VCV003390571.1).